The following is an entry in ClinVar:

NM_018117.12(WDR11):c.2303_2304inv (p.Ala768Val)

Gene: WDR11 (WD repeat domain 11; plus strand). Cytogenetic location: 10q26.12.
Variant type: Inversion.
Coding change: c.2303_2304inv on transcript NM_018117.12 (MANE Select).
Protein change: p.Ala768Val; replaces alanine 768 with valine.
Molecular consequence: missense variant.
Genome position: GRCh38 VCF-style: chr10-120889969-CA-TG. GRCh37 (hg19) VCF-style: chr10-122649481-CA-TG.
Other names: c.2303_2304delinsTG (NM_018117.12); short protein forms A768V.
Identifiers: ClinVar variation 1956714 (VCV001956714.6), ClinGen allele CA2580082421.

ClinVar aggregate classification (germline): Likely benign. Review status: criteria provided, multiple submitters, no conflicts (2 of 4 stars). 2 submissions from 2 submitters: Likely benign (2). Last evaluated 2026-01-15.

Submissions (2):

Labcorp Genetics (formerly Invitae), Labcorp
Classification: Likely benign. Last evaluated: 2026-01-15. Review status: criteria provided, single submitter. Criteria: Invitae Variant Classification Sherloc (09022015). Collection method: clinical testing. Allele origin: germline.

Women's Health and Genetics/Laboratory Corporation of America, LabCorp
Classification: Likely benign. Last evaluated: 2024-05-03. Review status: criteria provided, single submitter. Criteria: LabCorp Variant Classification Summary - May 2015. Collection method: clinical testing. Allele origin: germline.
Comment: Variant summary: WDR11 c.2303_2304delinsTG (p.Ala768Val) results in a non-conservative amino acid change located in the WD40 repeat (IPR001680) of the encoded protein sequence. Three out of five in-silico tools predict a benign effect of the variant on protein function. The allele frequency of this variant could not be determined from population databases such as gnomAD as it is a multinucleotide variant consisting of 10-120889969-C-T (c.2303C>T; p.Ala768Val) and 10-120889970-A-G (c.2304A>G; p.Ala768=). The individual variants have variable frequencies and the exact number of alleles representing a combination of the two in cis is unknown. However, based on the frequency of the least prevalent allele, namely c.2303C>T, it can be estimated that the multinucleotide variant will be found at a frequency of 0.00051 in 1613846 control chromosomes, predominantly at a frequency of 0.0097 within the African or African-American subpopulation in gnomAD including 8 homozygotes. This strongly suggests that the variant could be a benign polymorphism found primarily in populations of African or African-American origin. c.2303_2304delinsTG has been reported in the literature in at least one individual affected with congenital hypogonadotropic hypogonadism without a strong evidence for causality (Abbara_2020). These report(s) do not provide unequivocal conclusions about association of the variant with hypogonadotropic hypogonadism 14 with or without anosmia. To our knowledge, no experimental evidence demonstrating an impact on protein function has been reported. The following publications have been ascertained in the context of this evaluation (PMID: 33227799, 32870266). ClinVar contains an entry for this variant (Variation ID: 1956714). Based on the evidence outlined above, the variant was classified as likely benign.

Literature cited by the submitters: PubMed 33227799 (cited by Women's Health and Genetics/Laboratory Corporation of America, LabCorp); PubMed 32870266 (cited by Women's Health and Genetics/Laboratory Corporation of America, LabCorp).